The following is an entry in ClinVar:

ClinVar aggregate classification (germline): Likely pathogenic (1 of 4 stars; one submission).

Conditions:
Inclusion body myopathy with Paget disease of bone and frontotemporal dementia. Also called: Inclusion body myopathy with early-onset Paget disease and frontotemporal dementia. Identifiers: Orphanet 52430, MedGen C1833662, MONDO:0000507.
Frontotemporal dementia and/or amyotrophic lateral sclerosis 6 (FTDALS6). Also called: VCP-Related Amyotrophic Lateral Sclerosis; VCP-Related Amyotrophic Lateral Sclerosis/Frontotemporal Dementia. Identifiers: Orphanet 275872, Orphanet 803, MedGen C5436279, MONDO:0013501, OMIM 613954.

Submission:

Labcorp Genetics (formerly Invitae), Labcorp
Classification: Likely pathogenic for Inclusion body myopathy with Paget disease of bone and frontotemporal dementia; Frontotemporal dementia and/or amyotrophic lateral sclerosis 6. Last evaluated: 2022-09-03. Review status: criteria provided, single submitter. Criteria: Invitae Variant Classification Sherloc (09022015). Collection method: clinical testing. Allele origin: germline.
Comment: This variant is not present in population databases (gnomAD no frequency). This sequence change replaces glycine, which is neutral and non-polar, with serine, which is neutral and polar, at codon 128 of the VCP protein (p.Gly128Ser). This variant has not been reported in the literature in individuals affected with VCP-related conditions. In summary, the currently available evidence indicates that the variant is pathogenic, but additional data are needed to prove that conclusively. Therefore, this variant has been classified as Likely Pathogenic. This variant disrupts the p.Gly128 amino acid residue in VCP. Other variant(s) that disrupt this residue have been observed in individuals with VCP-related conditions (PMID: 28692196, 29754758, 30103957, 31914217), which suggests that this may be a clinically significant amino acid residue. Advanced modeling of protein sequence and biophysical properties (such as structural, functional, and spatial information, amino acid conservation, physicochemical variation, residue mobility, and thermodynamic stability) performed at Invitae indicates that this missense variant is expected to disrupt VCP protein function.

Literature cited by the submitters: PubMed 28692196; PubMed 29754758; PubMed 30103957; PubMed 31914217.

NM_007126.5(VCP):c.382G>A (p.Gly128Ser)

Gene: VCP (valosin containing protein; minus strand). Cytogenetic location: 9p13.3.
Variant type: single nucleotide variant.
Coding change: c.382G>A on transcript NM_007126.5 (MANE Select); coding-DNA position 382, G replaced by A.
Protein change: p.Gly128Ser; replaces glycine 128 with serine.
Molecular consequence: missense variant.
Genome position (GRCh38, 1-based): chr9:35,066,738, C>T on the plus strand (G>A on the coding strand, the complement: VCP is on the minus strand). VCF-style: chr9-35066738-C-T. GRCh37 (hg19) VCF-style: chr9-35066735-C-T.
Other names: c.247G>A, p.Gly83Ser (NM_001354927.2, NM_001354928.2); short protein forms G83S, G128S.
Identifiers: ClinVar variation 2028838 (VCV002028838.4), dbSNP rs2490370338, ClinGen allele CA373291998.